The following is an entry in ClinVar:

ClinVar aggregate classification (germline): Uncertain significance. Review status: criteria provided, multiple submitters, no conflicts (2 of 4 stars). 3 submissions from 3 submitters: Uncertain significance (3). Last evaluated 2025-12-12.

Conditions:
Inborn genetic diseases. Identifiers: MedGen C0950123, MeSH D030342.
Charcot-Marie-Tooth disease axonal type 2C (HMSN2C). Also called: Charcot-Marie-Tooth Disease Type 2, TRPV4-Related (CMT2C); CHARCOT-MARIE-TOOTH DISEASE, AXONAL, AUTOSOMAL DOMINANT, TYPE 2C; Charcot-Marie-Tooth Neuropathy Type 2C. Identifiers: Orphanet 99937, MedGen C1853710, MONDO:0011633, OMIM 606071.

Allele frequency attached by ClinVar (database versions not stated): gnomAD exomes below 0.00001 and 0.00001; ExAC 0.00001; gnomAD 0.00001; TOPMed 0.00002.
gnomAD v4.1: 17 of 1,608,406 alleles (0.0011%); highest among the groups gnomAD compares: South Asian, 0.0022%; no homozygotes.

Submissions (3):

Women's Health and Genetics/Laboratory Corporation of America, LabCorp
Classification: Uncertain significance. Last evaluated: 2025-12-12. Review status: criteria provided, single submitter. Criteria: LabCorp Variant Classification Summary - May 2015. Collection method: clinical testing. Allele origin: germline.
Comment: Variant summary: TRPV4 c.1508G>A (p.Arg503His) results in a non-conservative amino acid change in the encoded protein sequence. Algorithms developed to predict the effect of missense changes on protein structure and function are either unavailable or do not agree on the potential impact of this missense change. The variant allele was found at a frequency of 4.2e-06 in 238598 control chromosomes. The available data on variant occurrences in the general population are insufficient to allow any conclusion about variant significance. To our knowledge, no occurrence of c.1508G>A in individuals affected with TRPV4-related conditions and no experimental evidence demonstrating its impact on protein function have been reported. ClinVar contains an entry for this variant (Variation ID: 1059986). Based on the evidence outlined above, the variant was classified as uncertain significance.

Labcorp Genetics (formerly Invitae), Labcorp
Classification: Uncertain significance for Charcot-Marie-Tooth disease axonal type 2C. Last evaluated: 2025-08-16. Review status: criteria provided, single submitter. Criteria: Invitae Variant Classification Sherloc (09022015). Collection method: clinical testing. Allele origin: germline.
Comment: This sequence change replaces arginine, which is basic and polar, with histidine, which is basic and polar, at codon 503 of the TRPV4 protein (p.Arg503His). The frequency data for this variant in the population databases is considered unreliable, as metrics indicate poor data quality at this position in the gnomAD database. This variant has not been reported in the literature in individuals affected with TRPV4-related conditions. ClinVar contains an entry for this variant (Variation ID: 1059986). Invitae Evidence Modeling of protein sequence and biophysical properties (such as structural, functional, and spatial information, amino acid conservation, physicochemical variation, residue mobility, and thermodynamic stability) indicates that this missense variant is not expected to disrupt TRPV4 protein function with a negative predictive value of 95%. In summary, the available evidence is currently insufficient to determine the role of this variant in disease. Therefore, it has been classified as a Variant of Uncertain Significance.

Ambry Genetics
Classification: Uncertain significance for Inborn genetic diseases. Last evaluated: 2025-08-09. Review status: criteria provided, single submitter. Criteria: Ambry Variant Classification Scheme 2023. Collection method: clinical testing. Allele origin: germline.

NM_021625.5(TRPV4):c.1508G>A (p.Arg503His)

Gene: TRPV4 (transient receptor potential cation channel subfamily V member 4; minus strand). Cytogenetic location: 12q24.11.
Variant type: single nucleotide variant.
Coding change: c.1508G>A on transcript NM_021625.5 (MANE Select); coding-DNA position 1508, G replaced by A.
Protein change: p.Arg503His; replaces arginine 503 with histidine.
Molecular consequence: missense variant.
Genome position (GRCh38, 1-based): chr12:109,794,006, C>T on the plus strand (G>A on the coding strand, the complement: TRPV4 is on the minus strand). VCF-style: chr12-109794006-C-T. GRCh37 (hg19) VCF-style: chr12-110231811-C-T.
Other names: c.1367G>A, p.Arg456His (NM_001177428.2); c.1406G>A, p.Arg469His (NM_001177431.2); c.1187G>A, p.Arg396His (NM_001177433.2); c.1328G>A, p.Arg443His (NM_147204.3); short protein forms R396H, R443H, R456H, R469H, R503H.
Identifiers: ClinVar variation 1059986 (VCV001059986.11), dbSNP rs765199576, ClinGen allele CA6780202.